The following is an entry in ClinVar:

NM_014956.5(CEP164):c.2312G>C (p.Ser771Thr)

Gene: CEP164 (centrosomal protein 164; plus strand). Cytogenetic location: 11q23.3.
Variant type: single nucleotide variant.
Coding change: c.2312G>C on transcript NM_014956.5 (MANE Select); coding-DNA position 2312, G replaced by C.
Protein change: p.Ser771Thr; replaces serine 771 with threonine.
Molecular consequence: missense variant.
Genome position (GRCh38, 1-based): chr11:117,392,254, G>C. VCF-style: chr11-117392254-G-C. GRCh37 (hg19) VCF-style: chr11-117262970-G-C.
Other names: c.2312G>C (NM_014956.4); c.2321G>C, p.Ser774Thr (NM_001271933.2); short protein forms S771T, S774T.
Identifiers: ClinVar variation 1051459 (VCV001051459.12), dbSNP rs1565578311, ClinGen allele CA382725099.
Genomic context (GRCh38, chr11:117,392,254, plus strand): 5'-GCTTCACTCACAGTCCCTTTGCTCCTCCCCAGGCTGTGGCAACGCTGGAGAAGGAGCACA[G>C]TGCTGAGCTGGAGCGGCTCTGCTCCTCATTGGAGGCCAAGCACCGGGAGGTAAGATGCAG-3'
Protein context (NP_055771.4, residues 761-781): EAVATLEKEH[Ser771Thr]AELERLCSSL

ClinVar aggregate classification (germline): Uncertain significance. Review status: criteria provided, multiple submitters, no conflicts (2 of 4 stars). 3 submissions from 3 submitters: Uncertain significance (3). Last evaluated 2025-06-02.

Conditions:
Nephronophthisis 15 (NPHP15). Identifiers: Orphanet 3156, MedGen C3541853, MONDO:0013917, OMIM 614845.
Inborn genetic diseases. Identifiers: MedGen C0950123, MeSH D030342.

Allele frequency attached by ClinVar (database versions not stated): gnomAD exomes below 0.00001 and 0.00001.
gnomAD v4.1: 4 of 1,611,732 alleles (0.00025%); highest among the groups gnomAD compares: Non-Finnish European, 0.00034%; no homozygotes.

Submissions (3):

Labcorp Genetics (formerly Invitae), Labcorp
Classification: Uncertain significance for Nephronophthisis 15. Last evaluated: 2025-06-02. Review status: criteria provided, single submitter. Criteria: Invitae Variant Classification Sherloc (09022015). Collection method: clinical testing. Allele origin: germline.
Comment: This sequence change replaces serine, which is neutral and polar, with threonine, which is neutral and polar, at codon 771 of the CEP164 protein (p.Ser771Thr). This variant is not present in population databases (gnomAD no frequency). This variant has not been reported in the literature in individuals affected with CEP164-related conditions. ClinVar contains an entry for this variant (Variation ID: 1051459). Invitae Evidence Modeling of protein sequence and biophysical properties (such as structural, functional, and spatial information, amino acid conservation, physicochemical variation, residue mobility, and thermodynamic stability) indicates that this missense variant is not expected to disrupt CEP164 protein function with a negative predictive value of 80%. In summary, the available evidence is currently insufficient to determine the role of this variant in disease. Therefore, it has been classified as a Variant of Uncertain Significance.

Ambry Genetics
Classification: Uncertain significance for Inborn genetic diseases. Last evaluated: 2024-12-11. Review status: criteria provided, single submitter. Criteria: Ambry Variant Classification Scheme 2023. Collection method: clinical testing. Allele origin: germline.

Blueprint Genetics
Classification: Uncertain significance. Last evaluated: 2019-12-04. Review status: criteria provided, single submitter. Criteria: ACMG Guidelines, 2015. Collection method: clinical testing. Allele origin: germline.